The following is an entry in ClinVar:

NM_001103.2(ACTN2):c.-510C>T

Gene: ACTN2 (actinin alpha 2; plus strand). Cytogenetic location: 1q43.
Variant type: single nucleotide variant.
Coding change: c.-510C>T on transcript NM_001103.2; 510 bases upstream of the start codon, C replaced by T.
Genome position (GRCh38, 1-based): chr1:236,686,164, C>T. VCF-style: chr1-236686164-C-T. GRCh37 (hg19) VCF-style: chr1-236849464-C-T.
Identifiers: ClinVar variation 671848 (VCV000671848.3), dbSNP rs75163151, ClinGen allele CA39737203.
Genomic context (GRCh38, chr1:236,686,164, plus strand): 5'-GATATTTGGAAAACTTGGCTGTGTTGGGGTGGTCAGGGACCCAGCCTCTTAGGTGTCCCT[C>T]CCCTGGCTCGCGATCACCCACCCGGGACACCGACGGACCCCGCGCCGCTAACCAGCCGCT-3'

ClinVar aggregate classification (germline): Benign (1 of 4 stars; one submission).

Allele frequency attached by ClinVar (database versions not stated): TOPMed 0.04206; 1000 Genomes Project 0.04613; gnomAD 0.03747 and 0.03985; 1000 Genomes Project 30x 0.04841.

Submission:

GeneDx
Classification: Benign. Last evaluated: 2018-06-19. Review status: criteria provided, single submitter. Criteria: GeneDx Variant Classification (06012015). Collection method: clinical testing. Allele origin: germline. Affected: yes.
Comment: This variant is considered likely benign or benign based on one or more of the following criteria: it is a conservative change, it occurs at a poorly conserved position in the protein, it is predicted to be benign by multiple in silico algorithms, and/or has population frequency not consistent with disease.